The following is an entry in ClinVar:

NM_201384.3(PLEC):c.7120C>T (p.Arg2374Trp)

Gene: PLEC (plectin; minus strand). Cytogenetic location: 8q24.3.
Variant type: single nucleotide variant.
Coding change: c.7120C>T on transcript NM_201384.3 (MANE Select); coding-DNA position 7120, C replaced by T.
Protein change: p.Arg2374Trp; replaces arginine 2374 with tryptophan.
Molecular consequence: missense variant.
Genome position (GRCh38, 1-based): chr8:143,922,809, G>A on the plus strand (C>T on the coding strand, the complement: PLEC is on the minus strand). VCF-style: chr8-143922809-G-A. GRCh37 (hg19) VCF-style: chr8-144996977-G-A.
Other names: c.7201C>T, p.Arg2401Trp (NM_000445.5); c.7078C>T, p.Arg2360Trp (NM_201378.4); c.7054C>T, p.Arg2352Trp (NM_201379.3); c.7531C>T, p.Arg2511Trp (NM_201380.4); c.7024C>T, p.Arg2342Trp (NM_201381.3); c.7120C>T, p.Arg2374Trp (NM_201382.4); c.7132C>T, p.Arg2378Trp (NM_201383.3); c.7201C>T (NM_000445.4); short protein forms R2352W, R2360W, R2401W, R2342W, R2374W, R2378W, R2511W.
Identifiers: ClinVar variation 1400709 (VCV001400709.9), dbSNP rs200153170, ClinGen allele CA4925752.
Genomic context (GRCh38, chr8:143,922,809, plus strand): 5'-GGCTCATCTCGGCCACACGCAGCTTGAGGCGCTCAGCCTCAGCGCTCATCTCCAGCTGCC[G>A]CTGCCGCTCGGCCTCCAGCGTCCGCTGGAAGCCCTGCGTCTCCTCCGCCAGCTGCTGCGC-3'
Protein context (NP_958786.1, residues 2364-2384): FQRTLEAERQ[Arg2374Trp]QLEMSAEAER

ClinVar aggregate classification (germline): Uncertain significance. Review status: criteria provided, multiple submitters, no conflicts (2 of 4 stars). 2 submissions from 2 submitters: Uncertain significance (2). Last evaluated 2026-06-03.

Conditions:
PLEC-related disorder. Also called: PLEC-related condition; PLEC-related disorders.
Autosomal recessive limb-girdle muscular dystrophy type 2Q (LGMDR17). Also called: MUSCULAR DYSTROPHY, LIMB-GIRDLE, AUTOSOMAL RECESSIVE 17. Identifiers: Orphanet 254361, MedGen C3150989, MONDO:0013390, OMIM 613723.
Epidermolysis bullosa simplex with nail dystrophy (EBS5D). Identifiers: MedGen C4225309, MONDO:0014661, OMIM 616487.
Epidermolysis bullosa simplex 5B, with muscular dystrophy (EBS5B). Also called: EPIDERMOLYSIS BULLOSA SIMPLEX AND LIMB-GIRDLE MUSCULAR DYSTROPHY; Epidermolysis bullosa simplex with muscular dystrophy. Identifiers: Orphanet 257, MedGen C2931072, MONDO:0009181, OMIM 226670.
Epidermolysis bullosa simplex, Ogna type (EBS5A). Also called: Pidermolysis bullosa simplex 5A, Ogna type; EPIDERMOLYSIS BULLOSA SIMPLEX 5A, OGNA TYPE. Identifiers: Orphanet 79401, MedGen C0432317, MONDO:0007555, OMIM 131950.
Epidermolysis bullosa simplex 5C, with pyloric atresia (EBS5C). Also called: PLEC1-Related Epidermolysis Bullosa with Pyloric Atresia; PLEC-Related Epidermolysis Bullosa with Pyloric Atresia; Epidermolysis bullosa simplex with pyloric atresia. Identifiers: Orphanet 158684, MedGen C2677349, MONDO:0012807, OMIM 612138.

Allele frequency attached by ClinVar (database versions not stated): gnomAD exomes 0.00001 and 0.00003; gnomAD 0.00002 and 0.00003; TOPMed 0.00003; ExAC 0.00006; 1000 Genomes Project 30x 0.00016; 1000 Genomes Project 0.00020.
gnomAD v4.1: 23 of 1,585,938 alleles (0.0015%); highest among the groups gnomAD compares: African/African-American, 0.0054%; no homozygotes.

Submissions (2):

PreventionGenetics, part of Exact Sciences
Classification: Uncertain significance for PLEC-related condition. Last evaluated: 2026-06-03. Review status: criteria provided, single submitter. Criteria: ACMG Guidelines, 2015. Collection method: clinical testing. Allele origin: germline.
Comment: The PLEC c.7201C>T variant is predicted to result in the amino acid substitution p.Arg2401Trp. To our knowledge, this variant has not been reported in the literature. This variant is reported in 0.0096% of alleles in individuals of African descent in gnomAD. At this time, the clinical significance of this variant is uncertain due to the absence of conclusive functional and genetic evidence.

Labcorp Genetics (formerly Invitae), Labcorp
Classification: Uncertain significance for Autosomal recessive limb-girdle muscular dystrophy type 2Q; Epidermolysis bullosa simplex, Ogna type; Epidermolysis bullosa simplex with nail dystrophy; Epidermolysis bullosa simplex 5C, with pyloric atresia; Epidermolysis bullosa simplex 5B, with muscular dystrophy. Last evaluated: 2024-12-26. Review status: criteria provided, single submitter. Criteria: Invitae Variant Classification Sherloc (09022015). Collection method: clinical testing. Allele origin: germline.
Comment: This sequence change replaces arginine, which is basic and polar, with tryptophan, which is neutral and slightly polar, at codon 2401 of the PLEC protein (p.Arg2401Trp). The frequency data for this variant in the population databases is considered unreliable, as metrics indicate poor data quality at this position in the gnomAD database. This variant has not been reported in the literature in individuals affected with PLEC-related conditions. ClinVar contains an entry for this variant (Variation ID: 1400709). Invitae Evidence Modeling of protein sequence and biophysical properties (such as structural, functional, and spatial information, amino acid conservation, physicochemical variation, residue mobility, and thermodynamic stability) has been performed for this missense variant. However, the output from this modeling did not meet the statistical confidence thresholds required to predict the impact of this variant on PLEC protein function. In summary, the available evidence is currently insufficient to determine the role of this variant in disease. Therefore, it has been classified as a Variant of Uncertain Significance.